The following is an entry in ClinVar:

NM_199242.3(UNC13D):c.2466del (p.Leu821_Trp822insTer)

Gene: UNC13D (unc-13 homolog D; minus strand). Cytogenetic location: 17q25.1.
Variant type: Deletion.
Coding change: c.2466del on transcript NM_199242.3 (MANE Select); coding-DNA position 2466, one base deleted (G; older notation c.2466delG).
Protein change: p.Leu821_Trp822insTer.
Molecular consequence: nonsense.
Genome position (GRCh38, 1-based): chr17:75,831,330, C deleted on the plus strand (G on the coding strand, the reverse complement: UNC13D is on the minus strand); the first of 2 consecutive C bases (chr17:75,831,330-75,831,331); deleting either gives the same sequence. VCF-style (leftmost placement, unchanged base first): chr17-75831329-TC-T. GRCh37 (hg19) VCF-style: chr17-73827410-TC-T.
Identifiers: ClinVar variation 2808161 (VCV002808161.3), dbSNP rs2545977792, ClinGen allele CA2739268421.

ClinVar aggregate classification (germline): Pathogenic (1 of 4 stars; one submission).

Conditions:
Familial hemophagocytic lymphohistiocytosis 3 (FHL3). Also called: UNC13D-Related Familial Hemophagocytic Lymphohistiocytosis (UNC13D-fHLH). Identifiers: Orphanet 540, MedGen C1837174, MONDO:0012146, OMIM 608898.

Submission:

Labcorp Genetics (formerly Invitae), Labcorp
Classification: Pathogenic for Familial hemophagocytic lymphohistiocytosis 3. Last evaluated: 2022-12-09. Review status: criteria provided, single submitter. Criteria: Invitae Variant Classification Sherloc (09022015). Collection method: clinical testing. Allele origin: germline.
Comment: This sequence change creates a premature translational stop signal (p.Trp822*) in the UNC13D gene. It is expected to result in an absent or disrupted protein product. Loss-of-function variants in UNC13D are known to be pathogenic (PMID: 14622600). For these reasons, this variant has been classified as Pathogenic. This variant has not been reported in the literature in individuals affected with UNC13D-related conditions. This variant is not present in population databases (gnomAD no frequency).

Literature cited by the submitters: PubMed 14622600.